The following is an entry in ClinVar:

ClinVar aggregate classification (germline): Uncertain significance. Review status: reviewed by expert panel (3 of 4 stars). 3 submissions from 3 submitters: Uncertain significance (1). 2 of the submissions do not count toward it. Last evaluated 2024-09-18.

Conditions:
Hereditary thrombocytopenia and hematologic cancer predisposition syndrome. Identifiers: Orphanet 71290, MedGen CN281654, MONDO:0011071.
Hereditary thrombocytopenia and hematological cancer predisposition syndrome associated with RUNX1. Also called: Familial Platelet Disorder with Propensity to Acute Myelogenous Leukemia; Familial thrombocytopenia with propensity to acute myelogenous leukemia; PLATELET DISORDER, ASPIRIN-LIKE; RUNX1 Familial Platelet Disorder with Associated Myeloid Malignancies. Identifiers: Orphanet 71290, MedGen C1832388, MeSH C563324, MONDO:0100083, OMIM 601399.
Inborn genetic diseases. Identifiers: MedGen C0950123, MeSH D030342.

gnomAD v4.1: 1 of 1,602,920 alleles (0.000062%); highest among the groups gnomAD compares: Non-Finnish European, 0.000085%; no homozygotes.

Submissions (3):

ClinGen Myeloid Malignancy Variant Curation Expert Panel
Classification: Uncertain significance for Hereditary thrombocytopenia and hematologic cancer predisposition syndrome. Last evaluated: 2024-09-18. Review status: reviewed by expert panel. Criteria: ClinGen MyeloMalig ACMG Specifications v2. Collection method: curation. Allele origin: germline. Inheritance: Autosomal dominant inheritance.
Comment: NM_001754.5(RUNX1):c.189C>T (p.Ala63=) is a synonymous variant which has a SpliceAI score ≤ 0.20 (0.01) (BP4). This variant is completely absent from all population databases with at least 20x coverage for RUNX1 (PM2_Supporting). In summary, the clinical significance of this variant is uncertain. ACMG/AMP criteria applied, as specified by the Myeloid Malignancy Variant Curation Expert Panel for RUNX1: BP4, PM2_supporting.

Ambry Genetics
Classification: Likely benign for Inborn genetic diseases. Last evaluated: 2025-08-14. Review status: criteria provided, single submitter. Criteria: Ambry Variant Classification Scheme 2023. Collection method: clinical testing. Allele origin: germline. Not counted in ClinVar's aggregate classification.

Labcorp Genetics (formerly Invitae), Labcorp
Classification: Likely benign for Hereditary thrombocytopenia and hematological cancer predisposition syndrome associated with RUNX1. Last evaluated: 2023-12-24. Review status: criteria provided, single submitter. Criteria: Invitae Variant Classification Sherloc (09022015). Collection method: clinical testing. Allele origin: germline. Not counted in ClinVar's aggregate classification.

NM_001754.5(RUNX1):c.189C>T (p.Ala63=)

Gene: RUNX1 (RUNX family transcription factor 1; minus strand). Cytogenetic location: 21q22.12.
Variant type: single nucleotide variant.
Coding change: c.189C>T on transcript NM_001754.5 (MANE Select); coding-DNA position 189, C replaced by T.
Protein change: p.Ala63=; no amino-acid change (alanine 63 retained).
Molecular consequence: synonymous variant.
Genome position (GRCh38, 1-based): chr21:34,887,005, G>A on the plus strand (C>T on the coding strand, the complement: RUNX1 is on the minus strand). VCF-style: chr21-34887005-G-A. GRCh37 (hg19) VCF-style: chr21-36259302-G-A.
Other names: NM_001754.5(RUNX1):c.189C>T; p.Ala63=; c.108C>T, p.Ala36= (NM_001122607.2, NM_001001890.3).
Identifiers: ClinVar variation 2718511 (VCV002718511.5), dbSNP rs2058003198, ClinGen allele CA512318935.